The following is an entry in ClinVar:

ClinVar aggregate classification (germline): Likely benign. Review status: criteria provided, single submitter (1 of 4 stars). 2 submissions from 2 submitters: Likely benign (1). 1 of the submissions does not count toward it. Last evaluated 2026-01-02.

Conditions:
Nephronophthisis 15 (NPHP15). Identifiers: Orphanet 3156, MedGen C3541853, MONDO:0013917, OMIM 614845.
CEP164-related disorder. Also called: CEP164-related condition.

Allele frequency attached by ClinVar (database versions not stated): gnomAD exomes 0.00001; TOPMed 0.00002; gnomAD 0.00003.
gnomAD v4.1: 20 of 1,611,356 alleles (0.0012%); highest among the groups gnomAD compares: Non-Finnish European, 0.0017%; no homozygotes.

Submissions (2):

Labcorp Genetics (formerly Invitae), Labcorp
Classification: Likely benign for Nephronophthisis 15. Last evaluated: 2026-01-02. Review status: criteria provided, single submitter. Criteria: Invitae Variant Classification Sherloc (09022015). Collection method: clinical testing. Allele origin: germline.

PreventionGenetics, part of Exact Sciences
Classification: Likely benign for CEP164-related condition. Last evaluated: 2024-09-04. Review status: no assertion criteria provided. Collection method: clinical testing. Allele origin: germline. Not counted in ClinVar's aggregate classification.
Comment: This variant is classified as likely benign based on ACMG/AMP sequence variant interpretation guidelines (Richards et al. 2015 PMID: 25741868, with internal and published modifications).

NM_014956.5(CEP164):c.4097-9C>T

Gene: CEP164 (centrosomal protein 164; plus strand). Cytogenetic location: 11q23.3.
Variant type: single nucleotide variant.
Coding change: c.4097-9C>T on transcript NM_014956.5 (MANE Select); 9 bases into the intron before coding-DNA position 4097, C replaced by T.
Molecular consequence: intron variant.
Genome position (GRCh38, 1-based): chr11:117,410,819, C>T. VCF-style: chr11-117410819-C-T. GRCh37 (hg19) VCF-style: chr11-117281535-C-T.
Other names: c.4097-9C>T (NM_014956.4); c.4082-9C>T (NM_001271933.2).
Identifiers: ClinVar variation 1109236 (VCV001109236.10), dbSNP rs1362686273, ClinGen allele CA601844038.